The following is an entry in ClinVar:

ClinVar aggregate classification (germline): Uncertain significance. Review status: criteria provided, multiple submitters, no conflicts (2 of 4 stars). 2 submissions from 2 submitters: Uncertain significance (2). Last evaluated 2025-01-01.

Conditions:
Inborn genetic diseases. Identifiers: MedGen C0950123, MeSH D030342.

Allele frequency attached by ClinVar (database versions not stated): ExAC 0.00008; ESP Exome Variant Server 0.00015; gnomAD 0.00025; 1000 Genomes Project 30x 0.00031; 1000 Genomes Project 0.00040; TOPMed 0.00054.
gnomAD v4.1: 77 of 1,611,946 alleles (0.0048%); highest among the groups gnomAD compares: Admixed American, 0.058%; no homozygotes.

Submissions (2):

Labcorp Genetics (formerly Invitae), Labcorp
Classification: Uncertain significance. Last evaluated: 2025-01-01. Review status: criteria provided, single submitter. Criteria: Invitae Variant Classification Sherloc (09022015). Collection method: clinical testing. Allele origin: germline.
Comment: This sequence change replaces proline, which is neutral and non-polar, with leucine, which is neutral and non-polar, at codon 1733 of the LAMA5 protein (p.Pro1733Leu). This variant is present in population databases (rs146853611, gnomAD 0.02%), including at least one homozygous and/or hemizygous individual. This variant has not been reported in the literature in individuals affected with LAMA5-related conditions. ClinVar contains an entry for this variant (Variation ID: 2371769). An algorithm developed to predict the effect of missense changes on protein structure and function (PolyPhen-2) suggests that this variant¬¨‚Ä†is likely to be tolerated. In summary, the available evidence is currently insufficient to determine the role of this variant in disease. Therefore, it has been classified as a Variant of Uncertain Significance.

Ambry Genetics
Classification: Uncertain significance for Inborn genetic diseases. Last evaluated: 2021-10-12. Review status: criteria provided, single submitter. Criteria: Ambry Variant Classification Scheme 2023. Collection method: clinical testing. Allele origin: germline.

NM_005560.6(LAMA5):c.5198C>T (p.Pro1733Leu)

Gene: LAMA5 (laminin subunit alpha 5; minus strand). Cytogenetic location: 20q13.33.
Variant type: single nucleotide variant.
Coding change: c.5198C>T on transcript NM_005560.6 (MANE Select); coding-DNA position 5198, C replaced by T.
Protein change: p.Pro1733Leu; replaces proline 1733 with leucine.
Molecular consequence: missense variant.
Genome position (GRCh38, 1-based): chr20:62,326,881, G>A on the plus strand (C>T on the coding strand, the complement: LAMA5 is on the minus strand). VCF-style: chr20-62326881-G-A. GRCh37 (hg19) VCF-style: chr20-60901937-G-A.
Other names: short protein forms P1733L.
Identifiers: ClinVar variation 2371769 (VCV002371769.4), dbSNP rs146853611, ClinGen allele CA9942297.